The following is an entry in ClinVar:

NM_022455.5(NSD1):c.6350G>C (p.Arg2117Pro)

Gene: NSD1 (nuclear receptor binding SET domain protein 1; plus strand). Cytogenetic location: 5q35.3.
Variant type: single nucleotide variant.
Coding change: c.6350G>C on transcript NM_022455.5 (MANE Select); coding-DNA position 6350, G replaced by C.
Protein change: p.Arg2117Pro; replaces arginine 2117 with proline.
Molecular consequence: missense variant.
Genome position (GRCh38, 1-based): chr5:177,292,045, G>C. VCF-style: chr5-177292045-G-C. GRCh37 (hg19) VCF-style: chr5-176719046-G-C.
Other names: c.5477G>C, p.Arg1826Pro (NM_001365684.2, NM_001409308.1, NM_172349.5); c.6350G>C, p.Arg2117Pro (NM_001409301.1, NM_001409302.1, NM_001409303.1); c.5930G>C, p.Arg1977Pro (NM_001409304.1); c.5597G>C, p.Arg1866Pro (NM_001409305.1); c.5228G>C, p.Arg1743Pro (NM_001409309.1); c.5588G>C, p.Arg1863Pro (NM_001409306.1, NM_001409307.1); short protein forms R1743P, R1826P, R1863P, R1866P, R1977P, R2117P.
Identifiers: ClinVar variation 3361170 (VCV003361170.1).

ClinVar aggregate classification (germline): Uncertain significance (1 of 4 stars; one submission).

Submission:

GeneDx
Classification: Uncertain significance. Last evaluated: 2023-07-20. Review status: criteria provided, single submitter. Criteria: GeneDx Variant Classification Process June 2021. Collection method: clinical testing. Allele origin: germline. Affected: yes.
Comment: Not observed at significant frequency in large population cohorts (gnomAD); In silico analysis supports that this missense variant has a deleterious effect on protein structure/function; Has not been previously published as pathogenic or benign to our knowledge